The following is an entry in ClinVar:

NM_000254.3(MTR):c.340-6C>T

Gene: MTR (5-methyltetrahydrofolate-homocysteine methyltransferase; plus strand). Cytogenetic location: 1q43.
Variant type: single nucleotide variant.
Coding change: c.340-6C>T on transcript NM_000254.3 (MANE Select); 6 bases into the intron before coding-DNA position 340, C replaced by T.
Molecular consequence: intron variant.
Genome position (GRCh38, 1-based): chr1:236,808,698, C>T. VCF-style: chr1-236808698-C-T. GRCh37 (hg19) VCF-style: chr1-236971998-C-T.
Other names: p.?; c.340-6C>T (NM_001291939.1); c.-769-6C>T (NM_001291940.2).
Identifiers: ClinVar variation 138287 (VCV000138287.15), dbSNP rs7526063, ClinGen allele CA292213.

ClinVar aggregate classification (germline): Benign. Review status: criteria provided, multiple submitters, no conflicts (2 of 4 stars). 5 submissions from 5 submitters: Benign (5). Last evaluated 2026-02-04.

Conditions:
Disorders of Intracellular Cobalamin Metabolism. Identifiers: MedGen CN043592.
Methylcobalamin deficiency type cblG (HMAG). Also called: HOMOCYSTINURIA-MEGALOBLASTIC ANEMIA, cblG COMPLEMENTATION TYPE; HOMOCYSTINURIA-MEGALOBLASTIC ANEMIA, cblG TYPE; Functional methionine synthase deficiency type cblG; HOMOCYSTINURIA-MEGALOBLASTIC ANEMIA DUE TO DEFECT IN COBALAMIN METABOLISM, cblG COMPLEMENTATION TYPE. Identifiers: Orphanet 2170, Orphanet 622, MedGen C1855128, MONDO:0009609, OMIM 250940.

Allele frequency attached by ClinVar (database versions not stated): gnomAD exomes 0.02621 and 0.03776; ExAC 0.04010; gnomAD 0.05512 and 0.05520; ESP Exome Variant Server 0.05567; TOPMed 0.05906; 1000 Genomes Project 30x 0.07292; 1000 Genomes Project 0.07448.
gnomAD v4.1: 47,034 of 1,613,758 alleles (2.9%); highest among the groups gnomAD compares: African/African-American, 13%; 1,421 homozygotes.

Submissions (5):

Labcorp Genetics (formerly Invitae), Labcorp
Classification: Benign for Methylcobalamin deficiency type cblG. Last evaluated: 2026-02-04. Review status: criteria provided, single submitter. Criteria: Invitae Variant Classification Sherloc (09022015). Collection method: clinical testing. Allele origin: germline.

Mayo Clinic Laboratories, Mayo Clinic
Classification: Benign. Last evaluated: 2021-04-07. Review status: criteria provided, single submitter. Criteria: ACMG Guidelines, 2015. Collection method: clinical testing. Allele origin: germline. Observed: 12 variant alleles.

Illumina Laboratory Services, Illumina
Classification: Benign for Disorders of Intracellular Cobalamin Metabolism. Last evaluated: 2018-01-13. Review status: criteria provided, single submitter. Criteria: ICSL Variant Classification Criteria 13 December 2019. Collection method: clinical testing. Allele origin: germline.
Comment: This variant was observed in the ICSL laboratory as part of a predisposition screen in an ostensibly healthy population. It had not been previously curated by ICSL or reported in the Human Gene Mutation Database (HGMD: prior to June 1st, 2018), and was therefore a candidate for classification through an automated scoring system. Utilizing variant allele frequency, disease prevalence and penetrance estimates, and inheritance mode, an automated score was calculated to assess if this variant is too frequent to cause the disease. Based on the score and internal cut-off values, a variant classified as benign is not then subjected to further curation. The score for this variant resulted in a classification of benign for this disease.

GeneDx
Classification: Benign. Last evaluated: 2013-10-03. Review status: criteria provided, single submitter. Criteria: GeneDx Variant Classification (06012015). Collection method: clinical testing. Allele origin: germline. Affected: yes.
Comment: This variant is considered likely benign or benign based on one or more of the following criteria: it is a conservative change, it occurs at a poorly conserved position in the protein, it is predicted to be benign by multiple in silico algorithms, and/or has population frequency not consistent with disease.

Breakthrough Genomics
Classification: Benign. Review status: criteria provided, single submitter. Criteria: ACMG Guidelines, 2015. Collection method: not provided. Allele origin: germline. Inheritance: Autosomal recessive inheritance. Affected: yes.